The following is an entry in ClinVar:

ClinVar aggregate classification (germline): Benign (0 of 4 stars; one submission).

Conditions:
DSCAM-related disorder. Also called: DSCAM-related condition.

Allele frequency attached by ClinVar (database versions not stated): ESP Exome Variant Server 0.01576; gnomAD 0.02001; TOPMed 0.02266; ExAC 0.02916; 1000 Genomes Project 30x 0.03919; 1000 Genomes Project 0.04213.
gnomAD v4.1: 37,909 of 1,613,856 alleles (2.3%); highest among the groups gnomAD compares: East Asian, 13%; 832 homozygotes.

Submission:

PreventionGenetics, part of Exact Sciences
Classification: Benign for DSCAM-related condition. Last evaluated: 2019-05-09. Review status: no assertion criteria provided. Collection method: clinical testing. Allele origin: germline.
Comment: This variant is classified as benign based on ACMG/AMP sequence variant interpretation guidelines (Richards et al. 2015 PMID: 25741868, with internal and published modifications).

NM_001389.5(DSCAM):c.2655C>T (p.Pro885=)

Gene: DSCAM (DS cell adhesion molecule; minus strand). Cytogenetic location: 21q22.2.
Variant type: single nucleotide variant.
Coding change: c.2655C>T on transcript NM_001389.5 (MANE Select); coding-DNA position 2655, C replaced by T.
Protein change: p.Pro885=; no amino-acid change (proline 885 retained).
Molecular consequence: synonymous variant. On other transcripts: non-coding transcript variant (1).
Genome position (GRCh38, 1-based): chr21:40,187,255, G>A on the plus strand (C>T on the coding strand, the complement: DSCAM is on the minus strand). VCF-style: chr21-40187255-G-A. GRCh37 (hg19) VCF-style: chr21-41559182-G-A.
Other names: c.2655C>T, p.Pro885= (NM_001271534.3, NM_206887.1).
Identifiers: ClinVar variation 3055878 (VCV003055878.2), dbSNP rs2297267, ClinGen allele CA10031179.
Genomic context (GRCh38, chr21:40,187,255, plus strand): 5'-CCACCTGAGCGTAATTGTGCGTGCTTTGACATCTTTGATCTCAATTTCGGGAGGGTCTGG[G>A]GGCTCTGTGCCATCAACAGAAAGACTACGAGTTAGTTCAAACAGAGCTCTGACATAAAAC-3'
Protein context (NP_001380.2, residues 875-895): RGIIQLTVQE[Pro885=]PDPPEIEIKD